The following is an entry in ClinVar:

NM_014140.4(SMARCAL1):c.334_340dup (p.Arg114fs)

Gene: SMARCAL1 (SNF2 related chromatin remodeling annealing helicase 1; plus strand). Cytogenetic location: 2q35.
Variant type: Duplication.
Coding change: c.334_340dup on transcript NM_014140.4 (MANE Select); coding-DNA positions 334 to 340, 7 bases duplicated (AGTCCAC; older notation c.334_340dupAGTCCAC).
Protein change: p.Arg114fs; shifts the reading frame from arginine 114.
Molecular consequence: frameshift variant.
Genome position (GRCh38, 1-based): chr2:216,415,038-216,415,044, AGTCCAC duplicated; duplicating any 7 consecutive bases within chr2:216,415,034-216,415,044 gives the same sequence; the c. name uses the placement nearest the transcript's 3' end. VCF-style (leftmost placement, unchanged base first): chr2-216415033-G-GCCACAGT. GRCh37 (hg19) VCF-style: chr2-217279756-G-GCCACAGT.
Other names: c.334_340dupAGTCCAC (NM_014140.3); c.334_340dup, p.Arg114fs (NM_001127207.2); short protein forms R114fs.
Identifiers: ClinVar variation 941165 (VCV000941165.10), dbSNP rs1693556617, ClinGen allele CA1139657687.
Genomic context (GRCh38, chr2:216,415,033, plus strand): 5'-ACAGTTTTCAGGCAAAGGGAATATGGAAAAAGCCAGAAGAAATGCCCACAGCCTGCCCAG[G>GCCACAGT]CCACAGTCCACGTAGTCAAATGGCTCTCACTGGAATCTCTCCTCCCTTGGCACAAAGTCC-3'

ClinVar aggregate classification (germline): Pathogenic. Review status: criteria provided, multiple submitters, no conflicts (2 of 4 stars). 2 submissions from 2 submitters: Pathogenic (2). Last evaluated 2025-02-27.

Conditions:
Schimke immuno-osseous dysplasia (SIOD). Also called: Schimke Immunoosseous Dysplasia. Identifiers: Orphanet 1830, MedGen C0877024, MONDO:0009458, OMIM 242900.

Submissions (2):

Natera, Inc.
Classification: Pathogenic for Schimke immuno-osseous dysplasia. Last evaluated: 2025-02-27. Review status: criteria provided, single submitter. Criteria: Natera Variant Classification Schema (03/2026). Collection method: clinical testing. Allele origin: germline.
Comment: The c.334_340dupAGTCCAC variant in SMARCAL1 is a frameshift variant predicted to shift the reading frame beginning at codon 114 and leads to a stop codon 4 codons downstream. This variant is expected to result in nonsense mediated decay, truncation, or a dysfunctional protein product. This variant is rare in the general population with a frequency below the threshold expected for the associated phenotype(s). This variant has been observed in one or more individuals affected with the associated recessive disease, as either homozygous or compound heterozygous with a second variant (PMID: 22998683). Given the available evidence, this variant is classified as Pathogenic.

Labcorp Genetics (formerly Invitae), Labcorp
Classification: Pathogenic for Schimke immuno-osseous dysplasia. Last evaluated: 2019-08-02. Review status: criteria provided, single submitter. Criteria: Invitae Variant Classification Sherloc (09022015). Collection method: clinical testing. Allele origin: germline.
Comment: Loss-of-function variants in SMARCAL1 are known to be pathogenic (PMID: 11799392, 20301550). For these reasons, this variant has been classified as Pathogenic. This variant has been observed in an individual affected with Schimke immunoosseous dysplasia (PMID: 17089404). This variant is not present in population databases (ExAC no frequency). This sequence change creates a premature translational stop signal (p.Arg114Glnfs*4) in the SMARCAL1 gene. It is expected to result in an absent or disrupted protein product.

Literature cited by the submitters: PubMed 22998683 (cited by Natera, Inc.); PubMed 11799392 (cited by Labcorp Genetics (formerly Invitae), Labcorp); PubMed 20301550 (cited by Labcorp Genetics (formerly Invitae), Labcorp); PubMed 17089404 (cited by Labcorp Genetics (formerly Invitae), Labcorp).